The following is an entry in ClinVar:

ClinVar aggregate classification (germline): Uncertain significance (1 of 4 stars; one submission).

Conditions:
Hyperaldosteronism, familial, type IV (HALD4). Also called: FH IV; ALDOSTERONISM, PRIMARY, AND HYPERTENSION. Identifiers: Orphanet 642671, MedGen C4310756, MONDO:0014875, OMIM 617027.
Idiopathic generalized epilepsy. Also called: EIG; Generalised epilepsy. Identifiers: MedGen C0270850, MONDO:0005579, OMIM 600669.

Submission:

Labcorp Genetics (formerly Invitae), Labcorp
Classification: Uncertain significance for Idiopathic generalized epilepsy; Hyperaldosteronism, familial, type IV. Last evaluated: 2023-02-03. Review status: criteria provided, single submitter. Criteria: Invitae Variant Classification Sherloc (09022015). Collection method: clinical testing. Allele origin: germline.
Comment: This sequence change creates a premature translational stop signal (p.Gly2212Argfs*13) in the CACNA1H gene. While this is not anticipated to result in nonsense mediated decay, it is expected to disrupt the last 142 amino acid(s) of the CACNA1H protein. This variant is not present in population databases (gnomAD no frequency). This variant has not been reported in the literature in individuals affected with CACNA1H-related conditions. In summary, the available evidence is currently insufficient to determine the role of this variant in disease. Therefore, it has been classified as a Variant of Uncertain Significance.

NM_021098.3(CACNA1H):c.6633dup (p.Gly2212fs)

Gene: CACNA1H (calcium voltage-gated channel subunit alpha1 H; plus strand). Cytogenetic location: 16p13.3.
Variant type: Duplication.
Coding change: c.6633dup on transcript NM_021098.3 (MANE Select); coding-DNA position 6633, one base duplicated (C; older notation c.6633dupC).
Protein change: p.Gly2212fs; shifts the reading frame from glycine 2212.
Molecular consequence: frameshift variant.
Genome position (GRCh38, 1-based): chr16:1,220,565, C duplicated. VCF-style (leftmost placement, unchanged base first): chr16-1220564-G-GC. GRCh37 (hg19) VCF-style: chr16-1270564-G-GC.
Other names: c.6615dup, p.Gly2206fs (NM_001005407.2); short protein forms G2206fs, G2212fs.
Identifiers: ClinVar variation 2943917 (VCV002943917.3), dbSNP rs2548738531, ClinGen allele CA2740096817.
Genomic context (GRCh38, chr16:1,220,564, plus strand): 5'-GCATCTCGGTGGAACCCCCTGCGGAGGACGAGGGCTCTGCGCGGCCCTCCGCGGCAGAGG[G>GC]CGGCAGCACCACACTGAGGCGCAGGACCCCGTCCTGTGAGGCCACGCCTCACAGGGACTC-3'